The following is an entry in ClinVar:

NM_000260.4(MYO7A):c.5969A>G (p.Gln1990Arg)

Gene: MYO7A (myosin VIIA; plus strand). Cytogenetic location: 11q13.5.
Variant type: single nucleotide variant.
Coding change: c.5969A>G on transcript NM_000260.4 (MANE Select); coding-DNA position 5969, A replaced by G.
Protein change: p.Gln1990Arg; replaces glutamine 1990 with arginine.
Molecular consequence: missense variant.
Genome position (GRCh38, 1-based): chr11:77,208,721, A>G. VCF-style: chr11-77208721-A-G. GRCh37 (hg19) VCF-style: chr11-76919766-A-G.
Other names: c.5855A>G, p.Gln1952Arg (NM_001127180.2); c.5822A>G, p.Gln1941Arg (NM_001369365.1); short protein forms Q1952R, Q1941R, Q1990R.
Identifiers: ClinVar variation 751273 (VCV000751273.19), dbSNP rs560293591, ClinGen allele CA6198893.
Genomic context (GRCh38, chr11:77,208,721, plus strand): 5'-GGGACCCTCTGGGTGACCGACTGCCCTGTGCTGCAGGAATTGTGCCCTCACTCACCTACC[A>G]GGTGTTCTTCATGAAGAAGCTGTGGACCACCACGGTGCCAGGGAAGGATCCCATGGCCGA-3'
Protein context (NP_000251.3, residues 1980-2000): KDGIVPSLTY[Gln1990Arg]VFFMKKLWTT

ClinVar aggregate classification (germline): Conflicting classifications of pathogenicity. Review status: criteria provided, conflicting classifications (1 of 4 stars). 7 submissions from 7 submitters: Uncertain significance (2); Likely benign (4). 1 of the submissions does not count toward it. Last evaluated 2026-01-28.

Conditions:
MYO7A-related disorder. Also called: MYO7A-related disorders.
Usher syndrome type 1B (USH1B). Also called: Usher syndrome type IB. Identifiers: MedGen C1848638, MONDO:0700087.
Inborn genetic diseases. Identifiers: MedGen C0950123, MeSH D030342.

Allele frequency attached by ClinVar (database versions not stated): gnomAD 0.00001 and 0.00010; TOPMed 0.00002; gnomAD exomes 0.00040; ExAC 0.00109; 1000 Genomes Project 30x 0.00125; 1000 Genomes Project 0.00140.
gnomAD v4.1: 276 of 1,587,174 alleles (0.017%); highest among the groups gnomAD compares: South Asian, 0.29%; 5 homozygotes.

Submissions (7):

Labcorp Genetics (formerly Invitae), Labcorp
Classification: Likely benign. Last evaluated: 2026-01-28. Review status: criteria provided, single submitter. Criteria: Invitae Variant Classification Sherloc (09022015). Collection method: clinical testing. Allele origin: germline.

GeneDx
Classification: Uncertain significance. Last evaluated: 2025-07-15. Review status: criteria provided, single submitter. Criteria: GeneDx Variant Classification Process June 2021. Collection method: clinical testing. Allele origin: germline. Affected: yes.
Comment: In silico analysis supports that this missense variant has a deleterious effect on protein structure/function; Has not been previously published as pathogenic or benign to our knowledge

Ambry Genetics
Classification: Uncertain significance for Inborn genetic diseases. Last evaluated: 2025-05-18. Review status: criteria provided, single submitter. Criteria: Ambry Variant Classification Scheme 2023. Collection method: clinical testing. Allele origin: germline.

PreventionGenetics, part of Exact Sciences
Classification: Likely benign for MYO7A-related condition. Last evaluated: 2025-01-04. Review status: criteria provided, single submitter. Criteria: ACMG Guidelines, 2015. Collection method: clinical testing. Allele origin: germline.
Comment: This variant is classified as likely benign based on ACMG/AMP sequence variant interpretation guidelines (Richards et al. 2015 PMID: 25741868, with internal and published modifications).

Blueprint Genetics
Classification: Likely benign. Last evaluated: 2024-08-02. Review status: criteria provided, single submitter. Criteria: ACMG Guidelines, 2015. Collection method: clinical testing. Allele origin: germline.

Breakthrough Genomics
Classification: Likely benign. Review status: criteria provided, single submitter. Criteria: ACMG Guidelines, 2015. Collection method: not provided. Allele origin: germline. Inheritance: Autosomal recessive inheritance. Affected: yes.

Natera, Inc.
Classification: Uncertain significance for Usher syndrome type 1B. Last evaluated: 2020-02-13. Review status: no assertion criteria provided. Collection method: clinical testing. Allele origin: germline. Not counted in ClinVar's aggregate classification.